The following is an entry in ClinVar:

NM_001382567.1(STIM1):c.1634+1G>A

Gene: STIM1 (stromal interaction molecule 1; plus strand). Cytogenetic location: 11p15.4.
Variant type: single nucleotide variant.
Coding change: c.1634+1G>A on transcript NM_001382567.1 (MANE Select); the canonical splice donor site of the intron after coding-DNA position 1634, G replaced by A.
Molecular consequence: splice donor variant. On other transcripts: synonymous variant (2).
Genome position (GRCh38, 1-based): chr11:4,086,544, G>A. VCF-style: chr11-4086544-G-A. GRCh37 (hg19) VCF-style: chr11-4107774-G-A.
Other names: c.1542G>A, p.Arg514= (NM_001277961.3); c.1320G>A, p.Arg440= (NM_001382566.1); c.1319+1G>A (NM_001382578.1, NM_001382575.1, NM_001382576.1 and 2 more transcripts); c.1052+1G>A (NM_001382580.1, NM_001382581.1); c.1562+1G>A (NM_001382568.1); c.1541+1G>A (NM_001277962.2, NM_003156.4); c.1313+1G>A (NM_001382570.1); c.1406+1G>A (NM_001382569.1); and 1 more.
Identifiers: ClinVar variation 3748232 (VCV003748232.2).
Genomic context (GRCh38, chr11:4,086,544, plus strand): 5'-CCTGCAGAGCAGTGTTCGGCAGCGCCTGACGGAGCCACAGCATGGCCTGGGATCTCAGAG[G>A]TTGGTAGAGGGCGAGGCTGGCCACTTCTTGACAAGCCGGGTATCTCTGCGGCGAATGCGC-3'

ClinVar aggregate classification (germline): Uncertain significance (1 of 4 stars; one submission).

Conditions:
Stormorken syndrome (STRMK). Also called: THROMBOCYTOPATHY, ASPLENIA, AND MIOSIS. Identifiers: Orphanet 3204, MedGen C1861451, MONDO:0008497, OMIM 185070.
Myopathy with tubular aggregates (TAM). Also called: Tubular Aggregate Myopathy. Identifiers: Orphanet 2593, MedGen C0410207, MONDO:0008051.
Combined immunodeficiency due to STIM1 deficiency. Also called: STIM1 DEFICIENCY; IMMUNODEFICIENCY 10. Identifiers: Orphanet 169090, Orphanet 317430, MedGen C2748557, MONDO:0013008, OMIM 612783.

gnomAD v4.1: 1 of 1,614,132 alleles (0.000062%); highest among the groups gnomAD compares: East Asian, 0.0022%; no homozygotes.

Submission:

Labcorp Genetics (formerly Invitae), Labcorp
Classification: Uncertain significance for Myopathy with tubular aggregates; Combined immunodeficiency due to STIM1 deficiency; Stormorken syndrome. Last evaluated: 2024-09-15. Review status: criteria provided, single submitter. Criteria: Invitae Variant Classification Sherloc (09022015). Collection method: clinical testing. Allele origin: germline.
Comment: This sequence change affects a donor splice site in intron 11 of the STIM1 gene. While this variant is not anticipated to result in nonsense mediated decay, it likely alters RNA splicing and results in a disrupted protein product. This variant is not present in population databases (gnomAD no frequency). This variant has not been reported in the literature in individuals affected with STIM1-related conditions. Variants that disrupt the consensus splice site are a relatively common cause of aberrant splicing (PMID: 17576681, 9536098). Algorithms developed to predict the effect of sequence changes on RNA splicing suggest that this variant may disrupt the consensus splice site. In summary, the available evidence is currently insufficient to determine the role of this variant in disease. Therefore, it has been classified as a Variant of Uncertain Significance.

Literature cited by the submitters: PubMed 17576681; PubMed 9536098.